The following is an entry in ClinVar:

NM_001081550.2(THOC2):c.1321C>T (p.His441Tyr)

Gene: THOC2 (THO complex subunit 2; minus strand). Cytogenetic location: Xq25.
Variant type: single nucleotide variant.
Coding change: c.1321C>T on transcript NM_001081550.2 (MANE Select); coding-DNA position 1321, C replaced by T.
Protein change: p.His441Tyr; replaces histidine 441 with tyrosine.
Molecular consequence: missense variant.
Genome position (GRCh38, 1-based): chrX:123,665,707, G>A on the plus strand (C>T on the coding strand, the complement: THOC2 is on the minus strand). VCF-style: chrX-123665707-G-A. GRCh37 (hg19) VCF-style: chrX-122799558-G-A.
Other names: short protein forms H441Y.
Identifiers: ClinVar variation 3369393 (VCV003369393.1).

ClinVar aggregate classification (germline): Uncertain significance (1 of 4 stars; one submission).

gnomAD v4.1: 1 of 1,201,835 alleles (0.000083%); highest among the groups gnomAD compares: Non-Finnish European, 0.00011%; no homozygotes.

Submission:

GeneDx
Classification: Uncertain significance. Last evaluated: 2024-02-22. Review status: criteria provided, single submitter. Criteria: GeneDx Variant Classification Process June 2021. Collection method: clinical testing. Allele origin: germline. Affected: yes.
Comment: Not observed at significant frequency in large population cohorts (gnomAD); In silico analysis supports that this missense variant does not alter protein structure/function; Has not been previously published as pathogenic or benign to our knowledge